The following is an entry in ClinVar:

ClinVar aggregate classification (germline): Uncertain significance. Review status: criteria provided, multiple submitters, no conflicts (2 of 4 stars). 2 submissions from 2 submitters: Uncertain significance (2). Last evaluated 2024-06-13.

Conditions:
Nephrotic syndrome 14. Also called: RENI SYNDROME; RENAL, ENDOCRINE, NEUROLOGIC, AND IMMUNE SYNDROME; Sphingosine Phosphate Lyase Insufficiency Syndrome. Identifiers: Orphanet 506334, MedGen C4540559, MONDO:0033203, OMIM 617575.

Allele frequency attached by ClinVar (database versions not stated): TOPMed 0.00001; gnomAD 0.00003.
gnomAD v4.1: 29 of 1,613,874 alleles (0.0018%); highest among the groups gnomAD compares: African/African-American, 0.004%; no homozygotes.

Submissions (2):

3billion
Classification: Uncertain significance for Nephrotic syndrome 14. Last evaluated: 2024-06-13. Review status: criteria provided, single submitter. Criteria: ACMG Guidelines, 2015. Collection method: clinical testing. Allele origin: germline. Affected: yes.
Comment: The variant is observed at an extremely low frequency in the gnomAD v4.0.0 dataset (total allele frequency: 0.002%). Predicted Consequence/Location: Missense variant Damaging effect on gene or gene product predicted by in silico programs is uncertain [REVEL: 0.55 (damaging >=0.6, benign <0.4), 3Cnet: 0.22 (damaging >=0.6, benign <0.15)]. The same nucleotide change resulting in the same amino acid change has been previously reported to be associated with SGPL1 related disorder (PMID: 28165339). However, the evidence of pathogenicity is insufficient at this time. Therefore, this variant is classified as VUS according to the recommendation of ACMG/AMP guideline.

Labcorp Genetics (formerly Invitae), Labcorp
Classification: Uncertain significance. Last evaluated: 2022-05-25. Review status: criteria provided, single submitter. Criteria: Invitae Variant Classification Sherloc (09022015). Collection method: clinical testing. Allele origin: germline.
Comment: This missense change has been observed in individual(s) with clinical features of nephrotic syndrome (PMID: 28165339). This sequence change replaces alanine, which is neutral and non-polar, with threonine, which is neutral and polar, at codon 316 of the SGPL1 protein (p.Ala316Thr). This variant is not present in population databases (gnomAD no frequency). Algorithms developed to predict the effect of missense changes on protein structure and function are either unavailable or do not agree on the potential impact of this missense change (SIFT: "Deleterious"; PolyPhen-2: "Probably Damaging"; Align-GVGD: "Class C0"). In summary, the available evidence is currently insufficient to determine the role of this variant in disease. Therefore, it has been classified as a Variant of Uncertain Significance.

Literature cited by the submitters: PubMed 28165339 (cited by 3billion and Labcorp Genetics (formerly Invitae), Labcorp).

NM_003901.4(SGPL1):c.946G>A (p.Ala316Thr)

Gene: SGPL1 (sphingosine-1-phosphate lyase 1; plus strand). Cytogenetic location: 10q22.1.
Variant type: single nucleotide variant.
Coding change: c.946G>A on transcript NM_003901.4 (MANE Select); coding-DNA position 946, G replaced by A.
Protein change: p.Ala316Thr; replaces alanine 316 with threonine.
Molecular consequence: missense variant.
Genome position (GRCh38, 1-based): chr10:70,871,873, G>A. VCF-style: chr10-70871873-G-A. GRCh37 (hg19) VCF-style: chr10-72631630-G-A.
Other names: short protein forms A316T.
Identifiers: ClinVar variation 2136875 (VCV002136875.3), dbSNP rs752537084, ClinGen allele CA377123603.